The following is an entry in ClinVar:

ClinVar aggregate classification (germline): Uncertain significance. Review status: criteria provided, multiple submitters, no conflicts (2 of 4 stars). 2 submissions from 2 submitters: Uncertain significance (2). Last evaluated 2024-07-26.

Submissions (2):

ARUP Laboratories, Molecular Genetics and Genomics, ARUP Laboratories
Classification: Uncertain significance. Last evaluated: 2024-07-26. Review status: criteria provided, single submitter. Criteria: ARUP Molecular Germline Variant Investigation Process 2024. Collection method: clinical testing. Allele origin: germline.
Comment: The GATA1 c.677A>G; p.Asn226Ser variant (rs2147306813), to our knowledge, is not reported in the medical literature but is reported in ClinVar (Variation ID: 1693788). This variant is absent from the Genome Aggregation Database (v2.1.1), indicating it is not a common polymorphism. Computational analyses predict that this variant is deleterious (REVEL: 0.873). However, given the lack of clinical and functional data, the significance of this variant is uncertain at this time.

Mayo Clinic Laboratories, Mayo Clinic
Classification: Uncertain significance. Last evaluated: 2021-07-01. Review status: criteria provided, single submitter. Criteria: ACMG Guidelines, 2015. Collection method: clinical testing. Allele origin: germline.

NM_002049.4(GATA1):c.677A>G (p.Asn226Ser)

Gene: GATA1 (GATA binding protein 1; plus strand). Cytogenetic location: Xp11.23.
Variant type: single nucleotide variant.
Coding change: c.677A>G on transcript NM_002049.4 (MANE Select); coding-DNA position 677, A replaced by G.
Protein change: p.Asn226Ser; replaces asparagine 226 with serine.
Molecular consequence: missense variant.
Genome position (GRCh38, 1-based): chrX:48,792,401, A>G. VCF-style: chrX-48792401-A-G. GRCh37 (hg19) VCF-style: chrX-48650808-A-G.
Other names: p.Asn226Ser; short protein forms N226S.
Identifiers: ClinVar variation 1693788 (VCV001693788.5), dbSNP rs2147306813, ClinGen allele CA412870809.